The following is an entry in ClinVar:

NM_006269.2(RP1):c.4961C>G (p.Ser1654Cys)

Genes: RP1 (RP1 axonemal microtubule associated; plus strand), LOC126860392 (CDK7 strongly-dependent group 2 enhancer GRCh37_chr8:55541319-55542518; plus strand). Cytogenetic location: 8q12.1.
Variant type: single nucleotide variant.
Coding change: c.4961C>G on transcript NM_006269.2 (MANE Select); coding-DNA position 4961, C replaced by G.
Protein change: p.Ser1654Cys; replaces serine 1654 with cysteine.
Molecular consequence: missense variant. On other transcripts: intron variant (1).
Genome position (GRCh38, 1-based): chr8:54,628,843, C>G. VCF-style: chr8-54628843-C-G. GRCh37 (hg19) VCF-style: chr8-55541403-C-G.
Other names: c.787+6555C>G (NM_001375654.1); short protein forms S1654C.
Identifiers: ClinVar variation 1436455 (VCV001436455.9), dbSNP rs545418319, ClinGen allele CA4751980.

ClinVar aggregate classification (germline): Uncertain significance. Review status: criteria provided, multiple submitters, no conflicts (2 of 4 stars). 2 submissions from 2 submitters: Uncertain significance (2). Last evaluated 2025-08-20.

Allele frequency attached by ClinVar (database versions not stated): TOPMed 0.00002; ExAC 0.00003.
gnomAD v4.1: 11 of 1,614,072 alleles (0.00068%); highest among the groups gnomAD compares: Admixed American, 0.018%; no homozygotes.

Submissions (2):

Labcorp Genetics (formerly Invitae), Labcorp
Classification: Uncertain significance. Last evaluated: 2025-08-20. Review status: criteria provided, single submitter. Criteria: Invitae Variant Classification Sherloc (09022015). Collection method: clinical testing. Allele origin: germline.
Comment: This sequence change replaces serine, which is neutral and polar, with cysteine, which is neutral and slightly polar, at codon 1654 of the RP1 protein (p.Ser1654Cys). This variant is present in population databases (rs545418319, gnomAD 0.03%). This variant has not been reported in the literature in individuals affected with RP1-related conditions. ClinVar contains an entry for this variant (Variation ID: 1436455). An algorithm developed to predict the effect of missense changes on protein structure and function (PolyPhen-2) suggests that this variant is likely to be disruptive. In summary, the available evidence is currently insufficient to determine the role of this variant in disease. Therefore, it has been classified as a Variant of Uncertain Significance.

Blueprint Genetics
Classification: Uncertain significance. Last evaluated: 2022-06-28. Review status: criteria provided, single submitter. Criteria: ACMG Guidelines, 2015. Collection method: clinical testing. Allele origin: germline.